The following is an entry in ClinVar:

NC_000019.9:g.(?_39077145)_(39077236_?)del

Gene: RYR1 (ryanodine receptor 1; plus strand). Cytogenetic location: 19q13.2.
Variant type: Deletion.
Identifiers: ClinVar variation 3248520 (VCV003248520.1).

ClinVar aggregate classification (germline): Pathogenic (1 of 4 stars; one submission).

Conditions:
RYR1-related disorder. Also called: RYR1-related disorders; RYR1-related condition. Identifiers: MedGen CN239331.

Submission:

Labcorp Genetics (formerly Invitae), Labcorp
Classification: Pathogenic for RYR1-related disorder. Last evaluated: 2023-02-22. Review status: criteria provided, single submitter. Criteria: Invitae Variant Classification Sherloc (09022015). Collection method: clinical testing. Allele origin: unknown.
Comment: For these reasons, this variant has been classified as Pathogenic. This variant disrupts a region of the RYR1 protein in which other variant(s) (p.Gly5006Ser) have been determined to be pathogenic (PMID: 27447704; Invitae). This suggests that this is a clinically significant region of the protein, and that variants that disrupt it are likely to be disease-causing. This variant has not been reported in the literature in individuals affected with RYR1-related conditions. This variant is a gross deletion of the genomic region encompassing exon(s) 105 of the RYR1 gene. While this deletion is not anticipated to lead to nonsense mediated decay, it is expected to disrupt the C-terminus of the protein.

Literature cited by the submitters: PubMed 27447704.